The following is an entry in ClinVar:

NM_007194.4(CHEK2):c.33del (p.Gln11fs)

Gene: CHEK2 (checkpoint kinase 2; minus strand). Cytogenetic location: 22q12.1.
Variant type: Deletion.
Coding change: c.33del on transcript NM_007194.4 (MANE Select); coding-DNA position 33, one base deleted (G; older notation c.33delG).
Protein change: p.Gln11fs; shifts the reading frame from glutamine 11.
Molecular consequence: frameshift variant.
Genome position (GRCh38, 1-based): chr22:28,734,689, C deleted on the plus strand (G on the coding strand, the reverse complement: CHEK2 is on the minus strand). VCF-style (leftmost placement, unchanged base first): chr22-28734688-AC-A. GRCh37 (hg19) VCF-style: chr22-29130676-AC-A.
Other names: c.33delG, p.Gln11Hisfs (NM_001005735.3, NM_001349956.3, NM_145862.3); c.-745delG (NM_001257387.3); short protein forms Q11fs.
Identifiers: ClinVar variation 1071596 (VCV001071596.8), dbSNP rs2146155911, ClinGen allele CA2499226111.

ClinVar aggregate classification (germline): Pathogenic (1 of 4 stars; one submission).

Conditions:
Familial cancer of breast. Also called: Hereditary breast cancer; hereditary breast carcinoma; BREAST CANCER, FAMILIAL. Identifiers: Orphanet 227535, MedGen C0346153, MONDO:0016419, OMIM 114480. Disease mechanism: loss of function.

Submission:

Labcorp Genetics (formerly Invitae), Labcorp
Classification: Pathogenic for Familial cancer of breast. Last evaluated: 2020-01-13. Review status: criteria provided, single submitter. Criteria: Invitae Variant Classification Sherloc (09022015). Collection method: clinical testing. Allele origin: germline.
Comment: For these reasons, this variant has been classified as Pathogenic. Loss-of-function variants in CHEK2 are known to be pathogenic (PMID: 21876083, 24713400). This variant has not been reported in the literature in individuals with CHEK2-related conditions. This variant is not present in population databases (ExAC no frequency). This sequence change creates a premature translational stop signal (p.Gln11Hisfs*50) in the CHEK2 gene. It is expected to result in an absent or disrupted protein product.

Literature cited by the submitters: PubMed 21876083; PubMed 24713400.